The following is an entry in ClinVar:

NM_000059.4(BRCA2):c.9924C>A (p.Tyr3308Ter)

Gene: BRCA2 (BRCA2 DNA repair associated; plus strand). Cytogenetic location: 13q13.1.
Variant type: single nucleotide variant.
Coding change: c.9924C>A on transcript NM_000059.4 (MANE Select); coding-DNA position 9924, C replaced by A.
Protein change: p.Tyr3308Ter; replaces tyrosine 3308 with a stop codon.
Molecular consequence: nonsense.
Genome position (GRCh38, 1-based): chr13:32,398,437, C>A. VCF-style: chr13-32398437-C-A. GRCh37 (hg19) VCF-style: chr13-32972574-C-A.
Other names: 10152 C>A; short protein forms Y3308*.
Identifiers: ClinVar variation 267177 (VCV000267177.6), dbSNP rs4987049, ClinGen allele CA10589578.

ClinVar aggregate classification (germline): Pathogenic. Review status: reviewed by expert panel (3 of 4 stars). 3 submissions from 3 submitters: Pathogenic (1). 2 of the submissions do not count toward it. Last evaluated 2016-10-18.

Conditions:
Breast-ovarian cancer, familial, susceptibility to, 2 (BROVCA2). Also called: BRCA2 Hereditary Breast and Ovarian Cancer. Identifiers: Orphanet 145, MedGen C2675520, MONDO:0012933, OMIM 612555. Disease mechanism: loss of function.

Submissions (3):

Evidence-based Network for the Interpretation of Germline Mutant Alleles (ENIGMA)
Classification: Pathogenic for Breast-ovarian cancer, familial, susceptibility to, 2. Last evaluated: 2016-10-18. Review status: reviewed by expert panel. Criteria: ENIGMA BRCA1/2 Classification Criteria (2015). Collection method: curation. Allele origin: germline.
Comment: Variant allele predicted to encode a truncated non-functional protein.

GeneDx
Classification: Pathogenic. Last evaluated: 2017-01-17. Review status: criteria provided, single submitter. Criteria: GeneDx Variant Classification (06012015). Collection method: clinical testing. Allele origin: germline. Affected: yes. Not counted in ClinVar's aggregate classification.
Comment: This variant is denoted BRCA2 c.9924C>A at the cDNA level and p.Tyr3308Ter (Y3308X) at the protein level. The substitution creates a nonsense variant, which changes a Tyrosine to a premature stop codon (TAC>TAA), and is predicted to cause loss of normal protein function through protein truncation. Even though this frameshift occurs near the end of the gene and nonsense-mediated decay is not expected to occur, it is significant since the last 111 amino acids are no longer translated causing loss of the NLS2 (Borg 2010). BRCA2 Tyr3308Ter due to an alternate nucleotide substitution (c.9924C>G) at the same position, has been observed in several individuals with Hereditary Breast and Ovarian Cancer (Naseem 2006, Alsop 2012). In addition, functional studies of this truncating variant, including assays measuring sensitivity to DNA damaging agents, homologous recombination, genomic instability and RAD51 focus formation all confirm the pathogenicity of this variant (Hucl 2008, Kuznetsov 2008). Based on currently available evidence, we consider this variant to be pathogenic.

Consortium of Investigators of Modifiers of BRCA1/2 (CIMBA), c/o University of Cambridge
Classification: Pathogenic for Breast-ovarian cancer, familial, susceptibility to, 2. Last evaluated: 2015-10-02. Review status: criteria provided, single submitter. Criteria: CIMBA Mutation Classification guidelines May 2016. Collection method: clinical testing. Allele origin: germline. Not counted in ClinVar's aggregate classification.